The following is an entry in ClinVar:

NM_003193.5(TBCE):c.764A>G (p.Lys255Arg)

Gene: TBCE (tubulin folding cofactor E; plus strand). Cytogenetic location: 1q42.3.
Variant type: single nucleotide variant.
Coding change: c.764A>G on transcript NM_003193.5 (MANE Select); coding-DNA position 764, A replaced by G.
Protein change: p.Lys255Arg; replaces lysine 255 with arginine.
Molecular consequence: missense variant.
Genome position (GRCh38, 1-based): chr1:235,435,771, A>G. VCF-style: chr1-235435771-A-G. GRCh37 (hg19) VCF-style: chr1-235599086-A-G.
Other names: c.764A>G, p.Lys255Arg (NM_001079515.3); c.917A>G, p.Lys306Arg (NM_001287801.2); c.425A>G, p.Lys142Arg (NM_001287802.2); short protein forms K142R, K255R, K306R.
Identifiers: ClinVar variation 1003515 (VCV001003515.1), dbSNP rs1681410284, ClinGen allele CA344938038.

ClinVar aggregate classification (germline): Uncertain significance (1 of 4 stars; one submission).

Submission:

Labcorp Genetics (formerly Invitae), Labcorp
Classification: Uncertain significance. Last evaluated: 2020-07-09. Review status: criteria provided, single submitter. Criteria: Invitae Variant Classification Sherloc (09022015). Collection method: clinical testing. Allele origin: germline.
Comment: This sequence change replaces lysine with arginine at codon 255 of the TBCE protein (p.Lys255Arg). The lysine residue is weakly conserved and there is a small physicochemical difference between lysine and arginine. This variant is not present in population databases (ExAC no frequency). This variant has not been reported in the literature in individuals with TBCE-related conditions. Algorithms developed to predict the effect of missense changes on protein structure and function output the following: SIFT: Tolerated; PolyPhen-2: Benign; Align-GVGD: Class C0. The arginine amino acid residue is found in multiple mammalian species, suggesting that this missense change does not adversely affect protein function. These predictions have not been confirmed by published functional studies and their clinical significance is uncertain. In summary, the available evidence is currently insufficient to determine the role of this variant in disease. Therefore, it has been classified as a Variant of Uncertain Significance.